The following is an entry in ClinVar:

NM_001077350.3(NPRL3):c.1590G>C (p.Met530Ile)

Gene: NPRL3 (NPR3 like, GATOR1 complex subunit; minus strand). Cytogenetic location: 16p13.3.
Variant type: single nucleotide variant.
Coding change: c.1590G>C on transcript NM_001077350.3 (MANE Select); coding-DNA position 1590, G replaced by C.
Protein change: p.Met530Ile; replaces methionine 530 with isoleucine.
Molecular consequence: missense variant.
Genome position (GRCh38, 1-based): chr16:86,825, C>G on the plus strand (G>C on the coding strand, the complement: NPRL3 is on the minus strand). VCF-style: chr16-86825-C-G. GRCh37 (hg19) VCF-style: chr16-136824-C-G.
Other names: c.1590G>C (NM_001077350.2); c.1053G>C, p.Met351Ile (NM_001039476.3); c.1356G>C, p.Met452Ile (NM_001243247.2); c.1515G>C, p.Met505Ile (NM_001243248.2, NM_001243249.2); short protein forms M351I, M452I, M530I, M505I.
Identifiers: ClinVar variation 1468165 (VCV001468165.7), dbSNP rs2141894953, ClinGen allele CA394045287.

ClinVar aggregate classification (germline): Uncertain significance. Review status: criteria provided, multiple submitters, no conflicts (2 of 4 stars). 2 submissions from 2 submitters: Uncertain significance (2). Last evaluated 2026-02-19.

Conditions:
Epilepsy, familial focal, with variable foci 3 (FFEVF3). Identifiers: MedGen C4310708, MONDO:0014925, OMIM 617118.

Submissions (2):

GeneDx
Classification: Uncertain significance. Last evaluated: 2026-02-19. Review status: criteria provided, single submitter. Criteria: GeneDx Variant Classification Process June 2021. Collection method: clinical testing. Allele origin: germline.
Comment: Not observed at significant frequency in large population cohorts (gnomAD); In silico analysis supports that this missense variant has a deleterious effect on protein structure/function; Has not been previously published as pathogenic or benign to our knowledge

Labcorp Genetics (formerly Invitae), Labcorp
Classification: Uncertain significance for Epilepsy, familial focal, with variable foci 3. Last evaluated: 2021-02-26. Review status: criteria provided, single submitter. Criteria: Invitae Variant Classification Sherloc (09022015). Collection method: clinical testing. Allele origin: germline.
Comment: In summary, the available evidence is currently insufficient to determine the role of this variant in disease. Therefore, it has been classified as a Variant of Uncertain Significance. Experimental studies and prediction algorithms are not available or were not evaluated, and the functional significance of this variant is currently unknown. This variant has not been reported in the literature in individuals with NPRL3-related conditions. This variant is not present in population databases (ExAC no frequency). This sequence change replaces methionine with isoleucine at codon 530 of the NPRL3 protein (p.Met530Ile). The methionine residue is moderately conserved and there is a small physicochemical difference between methionine and isoleucine.